The following is an entry in ClinVar:

ClinVar aggregate classification (germline): Uncertain significance. Review status: criteria provided, multiple submitters, no conflicts (2 of 4 stars). 2 submissions from 2 submitters: Uncertain significance (2). Last evaluated 2025-04-11.

Conditions:
Inborn genetic diseases. Identifiers: MedGen C0950123, MeSH D030342.

Allele frequency attached by ClinVar (database versions not stated): gnomAD exomes below 0.00001; TOPMed below 0.00001; ExAC 0.00001; gnomAD 0.00001.
gnomAD v4.1: 8 of 1,613,054 alleles (0.0005%); highest among the groups gnomAD compares: Middle Eastern, 0.049%; no homozygotes.

Submissions (2):

Ambry Genetics
Classification: Uncertain significance for Inborn genetic diseases. Last evaluated: 2025-04-11. Review status: criteria provided, single submitter. Criteria: Ambry Variant Classification Scheme 2023. Collection method: clinical testing. Allele origin: germline.

Labcorp Genetics (formerly Invitae), Labcorp
Classification: Uncertain significance. Last evaluated: 2022-08-01. Review status: criteria provided, single submitter. Criteria: Invitae Variant Classification Sherloc (09022015). Collection method: clinical testing. Allele origin: germline.
Comment: In summary, the available evidence is currently insufficient to determine the role of this variant in disease. Therefore, it has been classified as a Variant of Uncertain Significance. Algorithms developed to predict the effect of missense changes on protein structure and function (SIFT, PolyPhen-2, Align-GVGD) all suggest that this variant is likely to be tolerated. This variant has not been reported in the literature in individuals affected with RBP3-related conditions. This variant is present in population databases (rs782705284, gnomAD 0.003%). This sequence change replaces glycine, which is neutral and non-polar, with serine, which is neutral and polar, at codon 454 of the RBP3 protein (p.Gly454Ser).

NM_002900.3(RBP3):c.1360G>A (p.Gly454Ser)

Gene: RBP3 (retinol binding protein 3; plus strand). Cytogenetic location: 10q11.22.
Variant type: single nucleotide variant.
Coding change: c.1360G>A on transcript NM_002900.3 (MANE Select); coding-DNA position 1360, G replaced by A.
Protein change: p.Gly454Ser; replaces glycine 454 with serine.
Molecular consequence: missense variant.
Genome position (GRCh38, 1-based): chr10:47,349,844, G>A. VCF-style: chr10-47349844-G-A. GRCh37 (hg19) VCF-style: chr10-48389518-C-T.
Other names: c.1360G>A (NM_002900.2); short protein forms G454S.
Identifiers: ClinVar variation 1968581 (VCV001968581.6), dbSNP rs782705284, ClinGen allele CA5487539.